The following is an entry in ClinVar:

ClinVar aggregate classification (germline): Uncertain significance (1 of 4 stars; one submission).

Submission:

Dasa
Classification: Uncertain significance. Last evaluated: 2026-03-20. Review status: criteria provided, single submitter. Criteria: DASA Assertion Criteria. Collection method: clinical testing. Allele origin: germline.
Comment: NM_000719.7(CACNA1C):c.371+8T>C is a splice-region variant. This variant is rare in population databases. Computational prediction algorithms are consistent with a deleterious effect. The currently available literature and clinical evidence are not sufficient to establish a definitive association between this variant and the reported condition. Therefore, this variant is classified as a variant of uncertain significance.

NM_000719.7(CACNA1C):c.371+8T>C

Gene: CACNA1C (calcium voltage-gated channel subunit alpha1 C; plus strand). Cytogenetic location: 12p13.33.
Variant type: single nucleotide variant.
Coding change: c.371+8T>C on transcript NM_000719.7 (MANE Select); 8 bases into the intron after coding-DNA position 371, T replaced by C.
Molecular consequence: intron variant.
Genome position (GRCh38, 1-based): chr12:2,115,553, T>C. VCF-style: chr12-2115553-T-C. GRCh37 (hg19) VCF-style: chr12-2224719-T-C.
Other names: c.371+8T>C (NM_001129837.2, NM_001129839.2, NM_001129836.2 and 19 more transcripts).
Identifiers: ClinVar variation 4882847 (VCV004882847.2).